The following is an entry in ClinVar:

ClinVar aggregate classification (germline): Uncertain significance. Review status: criteria provided, multiple submitters, no conflicts (2 of 4 stars). 2 submissions from 2 submitters: Uncertain significance (2). Last evaluated 2021-12-17.

Conditions:
Developmental and epileptic encephalopathy, 12 (DEE12). Identifiers: MedGen C3150988, MONDO:0013389, OMIM 613722.

Allele frequency attached by ClinVar (database versions not stated): ESP Exome Variant Server 0.00008; ExAC 0.00001; TOPMed 0.00001; gnomAD exomes 0.00002; gnomAD 0.00003.

Submissions (2):

Labcorp Genetics (formerly Invitae), Labcorp
Classification: Uncertain significance for Developmental and epileptic encephalopathy, 12. Last evaluated: 2021-12-17. Review status: criteria provided, single submitter. Criteria: Invitae Variant Classification Sherloc (09022015). Collection method: clinical testing. Allele origin: germline.
Comment: This sequence change replaces proline, which is neutral and non-polar, with serine, which is neutral and polar, at codon 246 of the PNKP protein (p.Pro246Ser). This variant is present in population databases (rs147553148, gnomAD 0.003%). This variant has not been reported in the literature in individuals affected with PNKP-related conditions. ClinVar contains an entry for this variant (Variation ID: 206394). Algorithms developed to predict the effect of missense changes on protein structure and function (SIFT, PolyPhen-2, Align-GVGD) all suggest that this variant is likely to be disruptive. In summary, the available evidence is currently insufficient to determine the role of this variant in disease. Therefore, it has been classified as a Variant of Uncertain Significance.

GeneDx
Classification: Uncertain significance. Last evaluated: 2021-09-07. Review status: criteria provided, single submitter. Criteria: GeneDx Variant Classification Process June 2021. Collection method: clinical testing. Allele origin: germline. Affected: yes.
Comment: Not observed at significant frequency in large population cohorts (Lek et al., 2016); In silico analysis, which includes protein predictors and evolutionary conservation, supports a deleterious effect; Has not been previously published as pathogenic or benign to our knowledge; This variant is associated with the following publications: (PMID: 22508754)

NM_007254.4(PNKP):c.736C>T (p.Pro246Ser)

Gene: PNKP (polynucleotide kinase 3'-phosphatase; minus strand). Cytogenetic location: 19q13.33.
Variant type: single nucleotide variant.
Coding change: c.736C>T on transcript NM_007254.4 (MANE Select); coding-DNA position 736, C replaced by T.
Protein change: p.Pro246Ser; replaces proline 246 with serine.
Molecular consequence: missense variant.
Genome position (GRCh38, 1-based): chr19:49,863,972, G>A on the plus strand (C>T on the coding strand, the complement: PNKP is on the minus strand). VCF-style: chr19-49863972-G-A. GRCh37 (hg19) VCF-style: chr19-50367229-G-A.
Other names: p.P246S:CCC>TCC; short protein forms P246S.
Identifiers: ClinVar variation 206394 (VCV000206394.10), dbSNP rs147553148, ClinGen allele CA316468.